The following is an entry in ClinVar:

ClinVar aggregate classification (germline): Conflicting classifications of pathogenicity. Review status: criteria provided, conflicting classifications (1 of 4 stars). 2 submissions from 2 submitters: Uncertain significance (1); Likely benign (1). Last evaluated 2025-02-06.

Conditions:
Hereditary cancer-predisposing syndrome. Also called: Neoplastic Syndromes, Hereditary; Tumor predisposition; Hereditary Cancer Syndrome; Hereditary neoplastic syndrome. Identifiers: Orphanet 140162, MedGen C0027672, MeSH D009386, MONDO:0015356.
POLD1-related polyposis and colorectal cancer syndrome (CRCS10). Also called: Colorectal cancer 10; COLORECTAL CANCER, SUSCEPTIBILITY TO, ON CHROMOSOME 19q; Colorectal cancer, susceptibility to, 10. Identifiers: Orphanet 220460, MedGen C2675481, MONDO:0012953, OMIM 612591.

Submissions (2):

Ambry Genetics
Classification: Likely benign for Hereditary cancer-predisposing syndrome. Last evaluated: 2025-02-06. Review status: criteria provided, single submitter. Criteria: Ambry Variant Classification Scheme 2023. Collection method: clinical testing. Allele origin: germline.

Labcorp Genetics (formerly Invitae), Labcorp
Classification: Uncertain significance for POLD1-related polyposis and colorectal cancer syndrome. Last evaluated: 2024-11-18. Review status: criteria provided, single submitter. Criteria: Invitae Variant Classification Sherloc (09022015). Collection method: clinical testing. Allele origin: germline.
Comment: This sequence change replaces threonine, which is neutral and polar, with arginine, which is basic and polar, at codon 441 of the POLD1 protein (p.Thr441Arg). This variant is not present in population databases (gnomAD no frequency). This variant has not been reported in the literature in individuals affected with POLD1-related conditions. ClinVar contains an entry for this variant (Variation ID: 2989261). Invitae Evidence Modeling of protein sequence and biophysical properties (such as structural, functional, and spatial information, amino acid conservation, physicochemical variation, residue mobility, and thermodynamic stability) indicates that this missense variant is not expected to disrupt POLD1 protein function with a negative predictive value of 80%. In summary, the available evidence is currently insufficient to determine the role of this variant in disease. Therefore, it has been classified as a Variant of Uncertain Significance.

NM_002691.4(POLD1):c.1322C>G (p.Thr441Arg)

Gene: POLD1 (DNA polymerase delta 1, catalytic subunit; plus strand). Cytogenetic location: 19q13.33.
Variant type: single nucleotide variant.
Coding change: c.1322C>G on transcript NM_002691.4 (MANE Select); coding-DNA position 1322, C replaced by G.
Protein change: p.Thr441Arg; replaces threonine 441 with arginine.
Molecular consequence: missense variant. On other transcripts: non-coding transcript variant (1).
Genome position (GRCh38, 1-based): chr19:50,406,261, C>G. VCF-style: chr19-50406261-C-G. GRCh37 (hg19) VCF-style: chr19-50909518-C-G.
Other names: c.1322C>G (NM_002691.2); c.1322C>G, p.Thr441Arg (NM_001256849.1, NM_001308632.1); short protein forms T441R.
Identifiers: ClinVar variation 2989261 (VCV002989261.4), dbSNP rs376711125, ClinGen allele CA406979872.